The following is an entry in ClinVar:

ClinVar aggregate classification (germline): Likely pathogenic. Review status: criteria provided, multiple submitters, no conflicts (2 of 4 stars). 2 submissions from 2 submitters: Likely pathogenic (2). Last evaluated 2024-07-09.

Conditions:
Familial cancer of breast. Also called: BREAST CANCER, FAMILIAL; hereditary breast carcinoma; Hereditary breast cancer. Identifiers: Orphanet 227535, MedGen C0346153, MONDO:0016419, OMIM 114480. Disease mechanism: loss of function.
Fanconi anemia complementation group J. Also called: BRIP1-Related Fanconi Anemia. Identifiers: Orphanet 84, MedGen C1836860, MONDO:0012187, OMIM 609054.

Submissions (2):

Labcorp Genetics (formerly Invitae), Labcorp
Classification: Likely pathogenic for Familial cancer of breast; Fanconi anemia complementation group J. Last evaluated: 2024-07-09. Review status: criteria provided, single submitter. Criteria: Invitae Variant Classification Sherloc (09022015). Collection method: clinical testing. Allele origin: germline.
Comment: This sequence change affects a donor splice site in intron 10 of the BRIP1 gene. It is expected to disrupt RNA splicing. Variants that disrupt the donor or acceptor splice site typically lead to a loss of protein function (PMID: 16199547), and loss-of-function variants in BRIP1 are known to be pathogenic (PMID: 16116423, 17033622, 21964575). This variant is present in population databases (no rsID available, gnomAD 0.006%). This variant has not been reported in the literature in individuals affected with BRIP1-related conditions. ClinVar contains an entry for this variant (Variation ID: 1347342). Algorithms developed to predict the effect of sequence changes on RNA splicing suggest that this variant may disrupt the consensus splice site. In summary, the currently available evidence indicates that the variant is pathogenic, but additional data are needed to prove that conclusively. Therefore, this variant has been classified as Likely Pathogenic.

Myriad Genetics, Inc.
Classification: Likely pathogenic for Familial cancer of breast. Last evaluated: 2023-06-02. Review status: criteria provided, single submitter. Criteria: Myriad Autosomal Dominant, Autosomal Recessive and X-Linked Classification Criteria (2023). Collection method: clinical testing. Allele origin: unknown.
Comment: This variant is considered likely pathogenic. This variant occurs within a consensus splice junction and is predicted to result in abnormal mRNA splicing of either an out-of-frame exon or an in-frame exon necessary for protein stability and/or normal function.

Literature cited by the submitters: PubMed 16199547 (cited by Labcorp Genetics (formerly Invitae), Labcorp); PubMed 16116423 (cited by Labcorp Genetics (formerly Invitae), Labcorp); PubMed 17033622 (cited by Labcorp Genetics (formerly Invitae), Labcorp); PubMed 21964575 (cited by Labcorp Genetics (formerly Invitae), Labcorp).

NM_032043.3(BRIP1):c.1473+1G>C

Gene: BRIP1 (BRCA1 interacting DNA helicase 1; minus strand). Cytogenetic location: 17q23.2.
Variant type: single nucleotide variant.
Coding change: c.1473+1G>C on transcript NM_032043.3 (MANE Select); the canonical splice donor site of the intron after coding-DNA position 1473, G replaced by C.
Molecular consequence: splice donor variant.
Genome position (GRCh38, 1-based): chr17:61,793,596, C>G on the plus strand (G>C on the coding strand, the complement: BRIP1 is on the minus strand). VCF-style: chr17-61793596-C-G. GRCh37 (hg19) VCF-style: chr17-59870957-C-G.
Identifiers: ClinVar variation 1347342 (VCV001347342.11), dbSNP rs748274524, ClinGen allele CA400482027.